The following is an entry in ClinVar:

ClinVar aggregate classification (germline): Likely pathogenic (1 of 4 stars; one submission).

Conditions:
Nemaline myopathy 2 (NEM2). Also called: Nemaline myopathy 2, autosomal recessive. Identifiers: MedGen C1850569, MONDO:0009725, OMIM 256030.

Submission:

Natera, Inc.
Classification: Likely pathogenic for Nemaline myopathy type 2. Last evaluated: 2024-02-20. Review status: criteria provided, single submitter. Criteria: Natera Variant Classification Schema (03/2026). Collection method: clinical testing. Allele origin: germline.
Comment: The c.5840_5850delAAAACAAGAAA variant in NEB is a frameshift variant predicted to shift the reading frame beginning at codon 1947 and leads to a stop codon 6 codons downstream. This variant is expected to result in nonsense mediated decay, truncation, or a dysfunctional protein product. This variant is rare in the general population with a frequency below the threshold expected for the associated phenotype(s). Given the available evidence, this variant is classified as Likely Pathogenic.

NM_001164508.2(NEB):c.5840_5850del (p.Lys1947fs)

Gene: NEB (nebulin; minus strand). Cytogenetic location: 2q23.3.
Variant type: Deletion.
Coding change: c.5840_5850del on transcript NM_001164508.2 (MANE Select); coding-DNA positions 5840 to 5850, 11 bases deleted (AAAACAAGAAA).
Protein change: p.Lys1947fs; shifts the reading frame from lysine 1947.
Molecular consequence: frameshift variant.
Genome position (GRCh38, 1-based): chr2:151,662,255-151,662,265, TTTCTTGTTTT deleted on the plus strand (AAAACAAGAAA on the coding strand, the reverse complement: NEB is on the minus strand); deleting any 11 consecutive bases within chr2:151,662,255-151,662,266 gives the same sequence; the c. name uses the placement nearest the transcript's 3' end. VCF-style (leftmost placement, unchanged base first): chr2-151662254-CTTTCTTGTTTT-C. GRCh37 (hg19) VCF-style: chr2-152518768-CTTTCTTGTTTT-C.
Other names: c.5840_5850delAAAACAAGAAA (NM_001271208.1); c.5840_5850del, p.Lys1947fs (NM_001164507.2, NM_001271208.2, NM_004543.5); short protein forms K1947fs.
Identifiers: ClinVar variation 4814778 (VCV004814778.1).
Genomic context (GRCh38, chr2:151,662,254, plus strand): 5'-TGGAATACTTCAAAGTGTCTGGGTGCTGGCGGTACTTCTTTTCACTAATAATCTCCATGG[CTTTCTTGTTTT>C]TCTCTGCTTCCAGGGAGCCCAGAGGGAGCCATCCAATGCCCTTCATGAAGTCAGCATAGT-3'